The following is an entry in ClinVar:

ClinVar aggregate classification (germline): Pathogenic. Review status: reviewed by expert panel (3 of 4 stars). 5 submissions from 5 submitters: Pathogenic (1). 4 of the submissions do not count toward it. Last evaluated 2016-10-18.

Conditions:
Hereditary breast ovarian cancer syndrome. Also called: Hereditary breast and ovarian cancer; Hereditary breast and ovarian cancer syndrome (HBOC); Hereditary breast and/or ovarian cancer syndrome; Breast and ovarian cancer; Hereditary breast and ovarian cancer syndrome; BRCA1- and BRCA2-Associated Hereditary Breast and Ovarian Cancer. Identifiers: Orphanet 145, MedGen C0677776, MeSH D061325, MONDO:0003582. Disease mechanism: loss of function.
Hereditary cancer-predisposing syndrome. Also called: Tumor predisposition; Neoplastic Syndromes, Hereditary; Hereditary neoplastic syndrome; Hereditary Cancer Syndrome. Identifiers: Orphanet 140162, MedGen C0027672, MeSH D009386, MONDO:0015356.
Breast-ovarian cancer, familial, susceptibility to, 2 (BROVCA2). Also called: BRCA2 Hereditary Breast and Ovarian Cancer. Identifiers: Orphanet 145, MedGen C2675520, MONDO:0012933, OMIM 612555. Disease mechanism: loss of function.

Submissions (5):

Evidence-based Network for the Interpretation of Germline Mutant Alleles (ENIGMA)
Classification: Pathogenic for Breast-ovarian cancer, familial, susceptibility to, 2. Last evaluated: 2016-10-18. Review status: reviewed by expert panel. Criteria: ENIGMA BRCA1/2 Classification Criteria (2015). Collection method: curation. Allele origin: germline.
Comment: Variant allele predicted to encode a truncated non-functional protein.

Ambry Genetics
Classification: Pathogenic for Hereditary cancer-predisposing syndrome. Last evaluated: 2025-04-16. Review status: criteria provided, single submitter. Criteria: Ambry Variant Classification Scheme 2023. Collection method: clinical testing. Allele origin: germline. Not counted in ClinVar's aggregate classification.
Comment: The c.6727delT (p.S2243Lfs*37) alteration, located in exon 11 (coding exon 10) of the BRCA2 gene, consists of a deletion of one nucleotide at position 6727, causing a translational frameshift with a predicted alternate stop codon after 37 amino acids. This alteration is expected to result in loss of function by premature protein truncation or nonsense-mediated mRNA decay. This variant was not reported in population-based cohorts in the Genome Aggregation Database (gnomAD). This alteration was identified in a large, worldwide study of BRCA1/2 mutation positive families (Rebbeck, 2018). Based on the available evidence, this alteration is classified as pathogenic.

Labcorp Genetics (formerly Invitae), Labcorp
Classification: Pathogenic for Hereditary breast ovarian cancer syndrome. Last evaluated: 2025-01-23. Review status: criteria provided, single submitter. Criteria: Invitae Variant Classification Sherloc (09022015). Collection method: clinical testing. Allele origin: germline. Not counted in ClinVar's aggregate classification.
Comment: This sequence change creates a premature translational stop signal (p.Ser2243Leufs*37) in the BRCA2 gene. It is expected to result in an absent or disrupted protein product. Loss-of-function variants in BRCA2 are known to be pathogenic (PMID: 20104584). This variant is not present in population databases (gnomAD no frequency). This variant has not been reported in the literature in individuals affected with BRCA2-related conditions. ClinVar contains an entry for this variant (Variation ID: 265059). For these reasons, this variant has been classified as Pathogenic.

GeneDx
Classification: Pathogenic. Last evaluated: 2020-01-31. Review status: criteria provided, single submitter. Criteria: GeneDx Variant Classification Process June 2021. Collection method: clinical testing. Allele origin: germline. Affected: yes. Not counted in ClinVar's aggregate classification.
Comment: Frameshift variant predicted to result in protein truncation or nonsense mediated decay in a gene for which loss-of-function is a known mechanism of disease; Not observed in large population cohorts (Lek 2016); Truncating variants in this gene are considered pathogenic by a well-established clinical consortium and/or database; Has not been previously published as pathogenic or benign to our knowledge

Consortium of Investigators of Modifiers of BRCA1/2 (CIMBA), c/o University of Cambridge
Classification: Pathogenic for Breast-ovarian cancer, familial, susceptibility to, 2. Last evaluated: 2015-10-02. Review status: criteria provided, single submitter. Criteria: CIMBA Mutation Classification guidelines May 2016. Collection method: clinical testing. Allele origin: germline. Not counted in ClinVar's aggregate classification.

Literature cited by the submitters: PubMed 29446198 (cited by Ambry Genetics); PubMed 20104584 (cited by Labcorp Genetics (formerly Invitae), Labcorp).

NM_000059.4(BRCA2):c.6727del (p.Ser2243fs)

Gene: BRCA2 (BRCA2 DNA repair associated; plus strand). Cytogenetic location: 13q13.1.
Variant type: Deletion.
Coding change: c.6727del on transcript NM_000059.4 (MANE Select); coding-DNA position 6727, one base deleted (T; older notation c.6727delT).
Protein change: p.Ser2243fs; shifts the reading frame from serine 2243.
Molecular consequence: frameshift variant.
Genome position (GRCh38, 1-based): chr13:32,341,082, T deleted; the last of 2 consecutive T bases (chr13:32,341,081-32,341,082); deleting either gives the same sequence. VCF-style (leftmost placement, unchanged base first): chr13-32341080-AT-A. GRCh37 (hg19) VCF-style: chr13-32915217-AT-A.
Other names: 6955delT; c.6727delT (NM_000059.3).
Identifiers: ClinVar variation 265059 (VCV000265059.14), dbSNP rs886039320, ClinGen allele CA10588567.